The following is an entry in ClinVar:

ClinVar aggregate classification (germline): Likely pathogenic. Review status: criteria provided, single submitter (1 of 4 stars). 2 submissions from 2 submitters: Likely pathogenic (1). 1 of the submissions does not count toward it. Last evaluated 2023-11-23.

Conditions:
POMC-related disorder. Also called: POMC-related disorders; POMC-related condition.
Early onset severe obesity. Identifiers: MedGen C4013980.

Submissions (2):

Cambridge Genomics Laboratory, East Genomic Laboratory Hub, NHS Genomic Medicine Service
Classification: Likely pathogenic for Severe early-onset obesity. Last evaluated: 2023-11-23. Review status: criteria provided, single submitter. Criteria: ACGS Best Practice Guidelines for Variant Classification in Rare Disease 2020. Collection method: clinical testing. Allele origin: germline. Affected: yes.
Comment: The missense variant NM_001035256.3(POMC):c.434G>T (p.Arg145Leu) causes a change at the same amino acid residue as a previously established pathogenic variant. (PM5 - Moderate) | The p.Arg145Leu variant is observed in 1/13.554 (0.0074%) alleles from individuals of gnomAD African background in gnomAD All. The p.Arg145Leu variant is novel (not in any individuals) in 1kG All. The p.Arg145Leu variant is observed in 2/68.050 (0.0029%) alleles from individuals of gnomAD Genomes v3 Non Finnish European background in gnomAD Genomes v3 All. (PM2 - Moderate) | There are no benign variants within 3 amino acid positions of the variant p.Arg145Leu. (PM1_Supporting - Supporting) | The p.Arg145Leu missense variant is predicted to be damaging by both SIFT and PolyPhen2. The arginine residue at codon 145 of POMC is conserved in all mammalian species. The nucleotide c.434 in POMC is predicted conserved by GERP++ and PhyloP across 100 vertebrates. (PP3 - Supporting)

PreventionGenetics, part of Exact Sciences
Classification: Likely pathogenic for POMC-related condition. Last evaluated: 2024-03-11. Review status: no assertion criteria provided. Collection method: clinical testing. Allele origin: germline. Not counted in ClinVar's aggregate classification.
Comment: The POMC c.434G>T variant is predicted to result in the amino acid substitution p.Arg145Leu. This variant was observed in a cohort of obese individuals, and in vitro functional studies show strong evidence of loss of function (Table 3 and Supplemental Data Set, Shah et al. 2023. PubMed ID: 36864747). A different amino acid substitution at this position (p.Arg145Cys) was previously reported in the homozygous and compound heterozygous states in individuals who presented with glucocorticoid deficiency (Samuels et al. 2013. PubMed ID: 23293326). This variant is reported in 0.0074% of alleles in individuals of African descent in gnomAD. This variant is interpreted as likely pathogenic.

NM_000939.4(POMC):c.434G>T (p.Arg145Leu)

Gene: POMC (proopiomelanocortin; minus strand). Cytogenetic location: 2p23.3.
Variant type: single nucleotide variant.
Coding change: c.434G>T on transcript NM_000939.4 (MANE Select); coding-DNA position 434, G replaced by T.
Protein change: p.Arg145Leu; replaces arginine 145 with leucine.
Molecular consequence: missense variant.
Genome position (GRCh38, 1-based): chr2:25,161,451, C>A on the plus strand (G>T on the coding strand, the complement: POMC is on the minus strand). VCF-style: chr2-25161451-C-A. GRCh37 (hg19) VCF-style: chr2-25384320-C-A.
Other names: c.434G>T, p.Arg145Leu (NM_001035256.3, NM_001319204.2, NM_001319205.2); short protein forms R145L.
Identifiers: ClinVar variation 3355722 (VCV003355722.2).